The following is an entry in ClinVar:

NM_145290.4(ADGRA3):c.337C>T (p.Arg113Ter)

Gene: ADGRA3 (adhesion G protein-coupled receptor A3; minus strand). Cytogenetic location: 4p15.2.
Variant type: single nucleotide variant.
Coding change: c.337C>T on transcript NM_145290.4 (MANE Select); coding-DNA position 337, C replaced by T.
Protein change: p.Arg113Ter; replaces arginine 113 with a stop codon.
Molecular consequence: nonsense.
Genome position (GRCh38, 1-based): chr4:22,461,801, G>A on the plus strand (C>T on the coding strand, the complement: ADGRA3 is on the minus strand). VCF-style: chr4-22461801-G-A. GRCh37 (hg19) VCF-style: chr4-22463424-G-A.
Other names: short protein forms R113*.
Identifiers: ClinVar variation 1942606 (VCV001942606.5), dbSNP rs1717467471, ClinGen allele CA356480549.

ClinVar aggregate classification (germline): Uncertain significance (1 of 4 stars; one submission).

Allele frequency attached by ClinVar (database versions not stated): gnomAD exomes below 0.00001; TOPMed 0.00001.

Submission:

Labcorp Genetics (formerly Invitae), Labcorp
Classification: Uncertain significance. Last evaluated: 2023-03-10. Review status: criteria provided, single submitter. Criteria: Invitae Variant Classification Sherloc (09022015). Collection method: clinical testing. Allele origin: germline.
Comment: This sequence change creates a premature translational stop signal (p.Arg113*) in the ADGRA3 gene. It is expected to result in an absent or disrupted protein product. However, the current clinical and genetic evidence is not sufficient to establish whether loss-of-function variants in ADGRA3 cause disease. This variant is not present in population databases (gnomAD no frequency). This variant has not been reported in the literature in individuals affected with ADGRA3-related conditions. ClinVar contains an entry for this variant (Variation ID: 1942606). Algorithms developed to predict the effect of sequence changes on RNA splicing suggest that this variant may disrupt the consensus splice site. In summary, the available evidence is currently insufficient to determine the role of this variant in disease. Therefore, it has been classified as a Variant of Uncertain Significance.